The following is an entry in ClinVar:

ClinVar aggregate classification (germline): Uncertain significance (1 of 4 stars; one submission).

Conditions:
Dyskeratosis congenita, autosomal recessive 5 (DKCB5). Identifiers: MedGen C3554656, MONDO:0014076, OMIM 615190.
Pulmonary fibrosis and/or bone marrow failure, Telomere-related, 3. Also called: PULMONARY FIBROSIS AND/OR BONE MARROW FAILURE SYNDROME, TELOMERE-RELATED, 3. Identifiers: Orphanet 2032, MedGen C4225346, MONDO:0014613, OMIM 616373.

gnomAD v4.1: 2 of 1,608,770 alleles (0.00012%); highest among the groups gnomAD compares: East Asian, 0.0022%; no homozygotes.

Submission:

Labcorp Genetics (formerly Invitae), Labcorp
Classification: Uncertain significance for Dyskeratosis congenita, autosomal recessive 5; Pulmonary fibrosis and/or bone marrow failure, Telomere-related, 3. Last evaluated: 2025-01-23. Review status: criteria provided, single submitter. Criteria: Invitae Variant Classification Sherloc (09022015). Collection method: clinical testing. Allele origin: germline.
Comment: This sequence change falls in intron 12 of the RTEL1 gene. It does not directly change the encoded amino acid sequence of the RTEL1 protein. This variant is not present in population databases (gnomAD no frequency). This variant has not been reported in the literature in individuals affected with RTEL1-related conditions. Algorithms developed to predict the effect of sequence changes on RNA splicing suggest that this variant may create or strengthen a splice site. In summary, the available evidence is currently insufficient to determine the role of this variant in disease. Therefore, it has been classified as a Variant of Uncertain Significance.

NM_001283009.2(RTEL1):c.1038-5G>A

Genes: RTEL1 (regulator of telomere elongation helicase 1; plus strand), RTEL1-TNFRSF6B (RTEL1-TNFRSF6B readthrough (NMD candidate); plus strand). Cytogenetic location: 20q13.33.
Variant type: single nucleotide variant.
Coding change: c.1038-5G>A on transcript NM_001283009.2 (MANE Select); 5 bases into the intron before coding-DNA position 1038, G replaced by A.
Molecular consequence: intron variant.
Genome position (GRCh38, 1-based): chr20:63,679,844, G>A. VCF-style: chr20-63679844-G-A. GRCh37 (hg19) VCF-style: chr20-62311197-G-A.
Other names: c.1038-5G>A (NM_016434.4); c.1110-5G>A (NM_032957.5); c.369-5G>A (NM_001283010.1).
Identifiers: ClinVar variation 3763009 (VCV003763009.2).